The following is an entry in ClinVar:

ClinVar aggregate classification (germline): Uncertain significance (1 of 4 stars; one submission).

Submission:

Labcorp Genetics (formerly Invitae), Labcorp
Classification: Uncertain significance. Last evaluated: 2023-05-03. Review status: criteria provided, single submitter. Criteria: Invitae Variant Classification Sherloc (09022015). Collection method: clinical testing. Allele origin: germline.
Comment: Advanced modeling of protein sequence and biophysical properties (such as structural, functional, and spatial information, amino acid conservation, physicochemical variation, residue mobility, and thermodynamic stability) performed at Invitae indicates that this missense variant is not expected to disrupt GNB3 protein function. In summary, the available evidence is currently insufficient to determine the role of this variant in disease. Therefore, it has been classified as a Variant of Uncertain Significance. This variant has not been reported in the literature in individuals affected with GNB3-related conditions. This variant is not present in population databases (gnomAD no frequency). This sequence change replaces methionine, which is neutral and non-polar, with leucine, which is neutral and non-polar, at codon 120 of the GNB3 protein (p.Met120Leu).

NM_002075.4(GNB3):c.358A>C (p.Met120Leu)

Gene: GNB3 (G protein subunit beta 3; plus strand). Cytogenetic location: 12p13.31.
Variant type: single nucleotide variant.
Coding change: c.358A>C on transcript NM_002075.4 (MANE Select); coding-DNA position 358, A replaced by C.
Protein change: p.Met120Leu; replaces methionine 120 with leucine.
Molecular consequence: missense variant.
Genome position (GRCh38, 1-based): chr12:6,843,453, A>C. VCF-style: chr12-6843453-A-C. GRCh37 (hg19) VCF-style: chr12-6952617-A-C.
Other names: c.358A>C, p.Met120Leu (NM_001297571.2); short protein forms M120L.
Identifiers: ClinVar variation 2861886 (VCV002861886.3), dbSNP rs2542350124, ClinGen allele CA383672470.